The following is an entry in ClinVar:

ClinVar aggregate classification (germline): Uncertain significance (1 of 4 stars; one submission).

Conditions:
Autosomal dominant childhood-onset proximal spinal muscular atrophy with contractures (SMALED2A). Also called: SPINAL MUSCULAR ATROPHY, LOWER EXTREMITY-PREDOMINANT, 2A, CHILDHOOD ONSET, AUTOSOMAL DOMINANT; Spinal muscular atrophy, lower extremity-predominant, 2A, autosomal dominant. Identifiers: Orphanet 363447, Orphanet 363454, MedGen C4747715, MONDO:0014121, OMIM 615290.

gnomAD v4.1: 1 of 1,614,134 alleles (0.000062%); highest among the groups gnomAD compares: Admixed American, 0.0017%; no homozygotes.

Submission:

Labcorp Genetics (formerly Invitae), Labcorp
Classification: Uncertain significance for Autosomal dominant childhood-onset proximal spinal muscular atrophy with contractures. Last evaluated: 2025-08-12. Review status: criteria provided, single submitter. Criteria: Invitae Variant Classification Sherloc (09022015). Collection method: clinical testing. Allele origin: germline.
Comment: This sequence change replaces lysine, which is basic and polar, with arginine, which is basic and polar, at codon 639 of the BICD2 protein (p.Lys639Arg). This variant is present in population databases (rs753530258, gnomAD 0.003%). This variant has not been reported in the literature in individuals affected with BICD2-related conditions. ClinVar contains an entry for this variant (Variation ID: 3704526). Invitae Evidence Modeling of protein sequence and biophysical properties (such as structural, functional, and spatial information, amino acid conservation, physicochemical variation, residue mobility, and thermodynamic stability) indicates that this missense variant is not expected to disrupt BICD2 protein function with a negative predictive value of 80%. In summary, the available evidence is currently insufficient to determine the role of this variant in disease. Therefore, it has been classified as a Variant of Uncertain Significance.

NM_001003800.2(BICD2):c.1916A>G (p.Lys639Arg)

Gene: BICD2 (BICD cargo adaptor 2; minus strand). Cytogenetic location: 9q22.31.
Variant type: single nucleotide variant.
Coding change: c.1916A>G on transcript NM_001003800.2 (MANE Select); coding-DNA position 1916, A replaced by G.
Protein change: p.Lys639Arg; replaces lysine 639 with arginine.
Molecular consequence: missense variant.
Genome position (GRCh38, 1-based): chr9:92,718,729, T>C on the plus strand (A>G on the coding strand, the complement: BICD2 is on the minus strand). VCF-style: chr9-92718729-T-C. GRCh37 (hg19) VCF-style: chr9-95481011-T-C.
Other names: c.1916A>G, p.Lys639Arg (NM_015250.4); short protein forms K639R.
Identifiers: ClinVar variation 3704526 (VCV003704526.2).